The following is an entry in ClinVar:

NM_000138.5(FBN1):c.4195G>C (p.Gly1399Arg)

Gene: FBN1 (fibrillin 1; minus strand). Cytogenetic location: 15q21.1.
Variant type: single nucleotide variant.
Coding change: c.4195G>C on transcript NM_000138.5 (MANE Select); coding-DNA position 4195, G replaced by C.
Protein change: p.Gly1399Arg; replaces glycine 1399 with arginine.
Molecular consequence: missense variant.
Genome position (GRCh38, 1-based): chr15:48,474,270, C>G on the plus strand (G>C on the coding strand, the complement: FBN1 is on the minus strand). VCF-style: chr15-48474270-C-G. GRCh37 (hg19) VCF-style: chr15-48766467-C-G.
Other names: c.4195G>C, p.Gly1399Arg (NM_001406716.1); short protein forms G1399R.
Identifiers: ClinVar variation 3386802 (VCV003386802.1).

ClinVar aggregate classification (germline): Uncertain significance (1 of 4 stars; one submission).

Conditions:
Marfan syndrome (MFS). Also called: MARFAN SYNDROME, TYPE I; Marfan syndrome type 1; Marfan's syndrome; FBN1-Related Marfan Syndrome; Marfan syndrome, classic. Identifiers: Orphanet 284963, Orphanet 558, MedGen C0024796, MONDO:0007947, OMIM 154700.

Submission:

All of Us Research Program, National Institutes of Health
Classification: Uncertain significance for Marfan syndrome. Last evaluated: 2024-05-30. Review status: criteria provided, single submitter. Criteria: ACMG Guidelines, 2015. Collection method: clinical testing. Allele origin: germline. Inheritance: Autosomal dominant inheritance. Observed: 1 variant allele, 1 heterozygote.
Comment: This missense variant replaces glycine with arginine at codon 1399 of the FBN1 protein. Computational prediction suggests that this variant may have deleterious impact on protein structure and function (internally defined REVEL score threshold >= 0.7, PMID: 27666373). To our knowledge, functional studies have not been reported for this variant. This variant has not been reported in individuals affected with FBN1-related disorders in the literature. This variant has not been identified in the general population by the Genome Aggregation Database (gnomAD). The available evidence is insufficient to determine the role of this variant in disease conclusively. Therefore, this variant is classified as a Variant of Uncertain Significance.

This study involves interpretation of variants in research participants for the purpose of population health screening. Participant phenotype was not available at the time of variant classification. Additional details can be found in publication PMID: 35346344, PMCID: PMC8962531